The following is an entry in ClinVar:

NM_000551.4(VHL):c.320G>C (p.Arg107Pro)

Gene: VHL (von Hippel-Lindau tumor suppressor; plus strand). Cytogenetic location: 3p25.3.
Variant type: single nucleotide variant.
Coding change: c.320G>C on transcript NM_000551.4 (MANE Select); coding-DNA position 320, G replaced by C.
Protein change: p.Arg107Pro; replaces arginine 107 with proline.
Molecular consequence: missense variant.
Genome position (GRCh38, 1-based): chr3:10,142,167, G>C. VCF-style: chr3-10142167-G-C. GRCh37 (hg19) VCF-style: chr3-10183851-G-C.
Other names: c.320G>C, p.Arg107Pro (NM_001354723.2, NM_198156.3); short protein forms R107P.
Identifiers: ClinVar variation 36900 (VCV000036900.17), dbSNP rs193922609, ClinGen allele CA020262.

ClinVar aggregate classification (germline): Pathogenic/Likely pathogenic. Review status: criteria provided, multiple submitters, no conflicts (2 of 4 stars). 5 submissions from 5 submitters: Pathogenic (3); Likely pathogenic (1). 1 of the submissions does not count toward it. Last evaluated 2026-01-08.

Conditions:
Von Hippel-Lindau syndrome (VHLS). Also called: von Hippel–Lindau syndrome; VHL syndrome; Von Hippel-Lindau. Identifiers: Orphanet 892, MedGen C0019562, MONDO:0008667, OMIM 193300. Disease mechanism: loss of function.
Chuvash polycythemia. Also called: POLYCYTHEMIA, VHL-DEPENDENT. Identifiers: Orphanet 238557, MedGen C1837915, MONDO:0009892, OMIM 263400.
Hereditary cancer-predisposing syndrome. Also called: Neoplastic Syndromes, Hereditary; Hereditary neoplastic syndrome; Tumor predisposition; Hereditary Cancer Syndrome. Identifiers: Orphanet 140162, MedGen C0027672, MeSH D009386, MONDO:0015356.

Submissions (5):

Labcorp Genetics (formerly Invitae), Labcorp
Classification: Pathogenic for Von Hippel-Lindau syndrome; Chuvash polycythemia. Last evaluated: 2026-01-08. Review status: criteria provided, single submitter. Criteria: Invitae Variant Classification Sherloc (09022015). Collection method: clinical testing. Allele origin: germline.
Comment: This sequence change replaces arginine, which is basic and polar, with proline, which is neutral and non-polar, at codon 107 of the VHL protein (p.Arg107Pro). This variant is not present in population databases (gnomAD no frequency). This missense change has been observed in individuals with clinical features of von Hippel-Lindau syndrome (PMID: 9829911, 12624160; internal data). This variant is also known as 533G>C. ClinVar contains an entry for this variant (Variation ID: 36900). Invitae Evidence Modeling of protein sequence and biophysical properties (such as structural, functional, and spatial information, amino acid conservation, physicochemical variation, residue mobility, and thermodynamic stability) indicates that this missense variant is expected to disrupt VHL protein function with a positive predictive value of 95%. This variant disrupts the p.Arg107 amino acid residue in VHL. Other variant(s) that disrupt this residue have been observed in individuals with VHL-related conditions (PMID: 19336503, 21362373, 22799452), which suggests that this may be a clinically significant amino acid residue. For these reasons, this variant has been classified as Pathogenic.

Women's Health and Genetics/Laboratory Corporation of America, LabCorp
Classification: Pathogenic for Von Hippel-Lindau syndrome. Last evaluated: 2024-01-12. Review status: criteria provided, single submitter. Criteria: LabCorp Variant Classification Summary - May 2015. Collection method: clinical testing. Allele origin: germline.
Comment: Variant summary: VHL c.320G>C (p.Arg107Pro) results in a non-conservative amino acid change located in the beta domain (IPR024053) of the encoded protein sequence. Five of five in-silico tools predict a damaging effect of the variant on protein function. The variant was absent in 221140 control chromosomes (gnomAD). c.320G>C has been reported in the literature in individuals affected with Von Hippel-Lindau Syndrome (e.g., Stolle_1998, Rocha_2003, Ricketts_2015, Dallagnol_2023). These data indicate that the variant is likely to be associated with disease. To our knowledge, no experimental evidence demonstrating an impact on protein function has been reported. The following publications have been ascertained in the context of this evaluation (PMID: 36625343, 22683710, 18836774, 26484545, 12624160, 9829911, 19996202). Additionally, different missense variants affecting the same codon, namely c.319C>G (p.Arg107Gly) and c.320G>A (p.Arg107His), have been reported in the literature in many individuals affected with VHL-related disorders (PMIDs: 12000816, 21362373, 33720516, 19336503, 12202531, 32739800). ClinVar contains an entry for this variant (Variation ID: 36900). Based on the evidence outlined above, the variant was classified as pathogenic.

GeneDx
Classification: Likely pathogenic. Last evaluated: 2023-05-25. Review status: criteria provided, single submitter. Criteria: GeneDx Variant Classification Process June 2021. Collection method: clinical testing. Allele origin: germline. Affected: yes.
Comment: In silico analysis supports that this missense variant has a deleterious effect on protein structure/function; Not observed at significant frequency in large population cohorts (gnomAD); Also known as c.533G>C, Arg178Pro, and Arg148Pro; This variant is associated with the following publications: (PMID: 12624160, 22825683, 9829911, 20151405, 22683710, 9143408, 32860304)

Ambry Genetics
Classification: Pathogenic for Hereditary cancer-predisposing syndrome. Last evaluated: 2022-03-17. Review status: criteria provided, single submitter. Criteria: Ambry Variant Classification Scheme 2023. Collection method: clinical testing. Allele origin: germline.
Comment: The p.R107P pathogenic mutation (also known as c.320G>C), located in coding exon 1 of the VHL gene, results from a G to C substitution at nucleotide position 320. The arginine at codon 107 is replaced by proline, an amino acid with dissimilar properties. This alteration has been identified in numerous families meeting diagnostic criteria for von Hippel-Lindau (VHL) disease that have been affected with lesions such as CNS hemangioblastoma, retinal angioma, renal cell carcinoma, pancreatic and renal cysts, and pheochromocytoma (Stolle et al. Hum Mutat. 1998;12(6): 417-23; Rocha et al. J Med Genet. 2003;40(3): e31; Ambry Internal Data). Furthermore, three other mutations (p.R107C, p.R107H and p.R107G) at the same codon have been associated with VHL and pheochromocytoma. This amino acid position is highly conserved in available vertebrate species. In addition, this alteration is predicted to be deleterious by in silico analysis. Based on the supporting evidence, this alteration is interpreted as a disease-causing mutation.

Genomic Diagnostic Laboratory, Division of Genomic Diagnostics, Children's Hospital of Philadelphia
Classification: Pathogenic for Von Hippel-Lindau syndrome. Last evaluated: 2016-02-26. Review status: no assertion criteria provided. Collection method: clinical testing. Allele origin: germline. Affected: yes. Observed: 5 variant alleles. Not counted in ClinVar's aggregate classification.

Literature cited by the submitters: PubMed 9829911 (cited by 3 submitters); PubMed 12624160 (cited by 3 submitters); PubMed 19336503 (cited by Labcorp Genetics (formerly Invitae), Labcorp); PubMed 21362373 (cited by Labcorp Genetics (formerly Invitae), Labcorp); PubMed 22799452 (cited by Labcorp Genetics (formerly Invitae), Labcorp); PubMed 18836774 (cited by Women's Health and Genetics/Laboratory Corporation of America, LabCorp); PubMed 19996202 (cited by Women's Health and Genetics/Laboratory Corporation of America, LabCorp); PubMed 22683710 (cited by Women's Health and Genetics/Laboratory Corporation of America, LabCorp); PubMed 36625343 (cited by Women's Health and Genetics/Laboratory Corporation of America, LabCorp); PubMed 26484545 (cited by Women's Health and Genetics/Laboratory Corporation of America, LabCorp).